The following is an entry in ClinVar:

ClinVar aggregate classification (germline): Likely benign. Review status: criteria provided, multiple submitters, no conflicts (2 of 4 stars). 3 submissions from 3 submitters: Likely benign (3). Last evaluated 2025-12-06.

Conditions:
Hereditary pulmonary alveolar proteinosis. Also called: Pulmonary surfactant metabolism dysfunction. Identifiers: Orphanet 264675, MedGen C3711368, MONDO:0012580.

Allele frequency attached by ClinVar (database versions not stated): gnomAD exomes 0.00008 and 0.00018; ExAC 0.00011; gnomAD 0.00011; TOPMed 0.00015; ESP Exome Variant Server 0.00023.
gnomAD v4.1: 276 of 1,613,632 alleles (0.017%); highest among the groups gnomAD compares: Non-Finnish European, 0.022%; no homozygotes.

Submissions (3):

Labcorp Genetics (formerly Invitae), Labcorp
Classification: Likely benign. Last evaluated: 2025-12-06. Review status: criteria provided, single submitter. Criteria: Invitae Variant Classification Sherloc (09022015). Collection method: clinical testing. Allele origin: germline.

CeGaT Center for Human Genetics Tuebingen
Classification: Likely benign. Last evaluated: 2025-04-01. Review status: criteria provided, single submitter. Criteria: CeGaT Center For Human Genetics Tuebingen Variant Classification Criteria Version 2. Collection method: clinical testing. Allele origin: germline. Affected: yes. Observed: 1 variant allele.
Comment: ABCA3: BP4, BP7

Ambry Genetics
Classification: Likely benign for Hereditary pulmonary alveolar proteinosis. Last evaluated: 2024-12-28. Review status: criteria provided, single submitter. Criteria: Ambry Variant Classification Scheme 2023. Collection method: clinical testing. Allele origin: germline.

NM_001089.3(ABCA3):c.1989C>A (p.Arg663=)

Gene: ABCA3 (ATP binding cassette subfamily A member 3; minus strand). Cytogenetic location: 16p13.3.
Variant type: single nucleotide variant.
Coding change: c.1989C>A on transcript NM_001089.3 (MANE Select); coding-DNA position 1989, C replaced by A.
Protein change: p.Arg663=; no amino-acid change (arginine 663 retained).
Molecular consequence: synonymous variant.
Genome position (GRCh38, 1-based): chr16:2,297,829, G>T on the plus strand (C>A on the coding strand, the complement: ABCA3 is on the minus strand). VCF-style: chr16-2297829-G-T. GRCh37 (hg19) VCF-style: chr16-2347830-G-T.
Other names: c.1989C>A (NM_001089.2).
Identifiers: ClinVar variation 1580407 (VCV001580407.16), dbSNP rs143947564, ClinGen allele CA7841007.